The following is an entry in ClinVar:

NM_001276345.2(TNNT2):c.567C>T (p.Ser189=)

Gene: TNNT2 (troponin T2, cardiac type; minus strand). Cytogenetic location: 1q32.1.
Variant type: single nucleotide variant.
Coding change: c.567C>T on transcript NM_001276345.2 (MANE Select); coding-DNA position 567, C replaced by T.
Protein change: p.Ser189=; no amino-acid change (serine 189 retained).
Molecular consequence: synonymous variant.
Genome position (GRCh38, 1-based): chr1:201,363,329, G>A on the plus strand (C>T on the coding strand, the complement: TNNT2 is on the minus strand). VCF-style: chr1-201363329-G-A. GRCh37 (hg19) VCF-style: chr1-201332457-G-A.
Other names: c.567C>T, p.Ser189= (NM_000364.4); c.537C>T, p.Ser179= (NM_001001430.3, NM_001001431.3, NM_001276347.2); c.522C>T, p.Ser174= (NM_001001432.3); c.447C>T, p.Ser149= (NM_001276346.2).
Identifiers: ClinVar variation 43655 (VCV000043655.29), dbSNP rs397516474, ClinGen allele CA004752.

ClinVar aggregate classification (germline): Benign/Likely benign. Review status: criteria provided, multiple submitters, no conflicts (2 of 4 stars). 14 submissions from 12 submitters: Benign (1); Likely benign (13). Last evaluated 2026-01-04.

Conditions:
TNNT2-related disorder. Also called: TNNT2-related condition.
Cardiovascular phenotype. Identifiers: MedGen CN230736.
Cardiomyopathy (CMYO). Also called: Cardiomyopathies. Identifiers: Orphanet 167848, MedGen C0878544, MONDO:0004994, HP:0001638. Inheritance: Various modes of inheritance.
Hypertrophic cardiomyopathy 2. Also called: TNNT2-Related Familial Hypertrophic Cardiomyopathy. Identifiers: MedGen C1861864, MONDO:0007266, OMIM 115195.
Dilated cardiomyopathy 1D. Identifiers: Orphanet 154, Orphanet 54260, MedGen C1832243, MONDO:0011095, OMIM 601494.
Cardiomyopathy, familial restrictive, 3. Identifiers: Orphanet 75249, MedGen C2676271, MONDO:0012900, OMIM 612422.

Allele frequency attached by ClinVar (database versions not stated): ExAC 0.00003; TOPMed 0.00003; gnomAD exomes 0.00004; gnomAD 0.00005.
gnomAD v4.1: 154 of 1,614,000 alleles (0.0095%); highest among the groups gnomAD compares: Non-Finnish European, 0.013%; no homozygotes.

Submissions (14):

Labcorp Genetics (formerly Invitae), Labcorp
Classification: Likely benign for Cardiomyopathy, familial restrictive, 3; Hypertrophic cardiomyopathy 2; Dilated cardiomyopathy 1D. Last evaluated: 2026-01-04. Review status: criteria provided, single submitter. Criteria: Invitae Variant Classification Sherloc (09022015). Collection method: clinical testing. Allele origin: germline.

Women's Health and Genetics/Laboratory Corporation of America, LabCorp
Classification: Likely benign. Last evaluated: 2025-12-08. Review status: criteria provided, single submitter. Criteria: LabCorp Variant Classification Summary - May 2015. Collection method: clinical testing. Allele origin: germline.

PreventionGenetics, part of Exact Sciences
Classification: Likely benign for TNNT2-related condition. Last evaluated: 2025-08-12. Review status: criteria provided, single submitter. Criteria: ACMG Guidelines, 2015. Collection method: clinical testing. Allele origin: germline.
Comment: This variant is classified as likely benign based on ACMG/AMP sequence variant interpretation guidelines (Richards et al. 2015 PMID: 25741868, with internal and published modifications).

ARUP Laboratories, Molecular Genetics and Genomics, ARUP Laboratories
Classification: Likely benign. Last evaluated: 2025-05-26. Review status: criteria provided, single submitter. Criteria: ARUP Molecular Germline Variant Investigation Process 2024. Collection method: clinical testing. Allele origin: germline.

All of Us Research Program, National Institutes of Health
Classification: Likely benign for Cardiomyopathy. Last evaluated: 2024-01-22. Review status: criteria provided, single submitter. Criteria: ACMG Guidelines, 2015. Collection method: clinical testing. Allele origin: germline. Inheritance: Autosomal dominant inheritance. Observed: 15 variant alleles, 15 heterozygotes.
Comment: This study involves interpretation of variants in research participants for the purpose of population health screening. Participant phenotype was not available at the time of variant classification. Additional details can be found in publication PMID: 35346344, PMCID: PMC8962531

Blueprint Genetics
Classification: Likely benign. Last evaluated: 2023-05-12. Review status: criteria provided, single submitter. Criteria: ACMG Guidelines, 2015. Collection method: clinical testing. Allele origin: germline.

Genome-Nilou Lab
Classification: Likely benign for Dilated cardiomyopathy 1D. Last evaluated: 2023-04-11. Review status: criteria provided, single submitter. Criteria: ACMG Guidelines, 2015. Collection method: clinical testing. Allele origin: germline. Affected: no.

Genome-Nilou Lab
Classification: Likely benign for Cardiomyopathy, familial restrictive, 3. Last evaluated: 2023-04-11. Review status: criteria provided, single submitter. Criteria: ACMG Guidelines, 2015. Collection method: clinical testing. Allele origin: germline. Affected: no.

Genome-Nilou Lab
Classification: Likely benign for Hypertrophic cardiomyopathy 2. Last evaluated: 2023-04-11. Review status: criteria provided, single submitter. Criteria: ACMG Guidelines, 2015. Collection method: clinical testing. Allele origin: germline. Affected: no.

Ambry Genetics
Classification: Likely benign for Cardiovascular phenotype. Last evaluated: 2021-05-14. Review status: criteria provided, single submitter. Criteria: Ambry Variant Classification Scheme 2023. Collection method: clinical testing. Allele origin: germline.

Color Diagnostics, LLC DBA Color Health
Classification: Likely benign for Cardiomyopathy. Last evaluated: 2018-11-30. Review status: criteria provided, single submitter. Criteria: ACMG Guidelines, 2015. Collection method: clinical testing. Allele origin: germline.

CHEO Genetics Diagnostic Laboratory, Children's Hospital of Eastern Ontario
Classification: Likely benign for Cardiomyopathy. Last evaluated: 2017-12-20. Review status: criteria provided, single submitter. Criteria: ACMG Guidelines, 2015. Collection method: clinical testing. Allele origin: germline.

GeneDx
Classification: Benign. Last evaluated: 2015-03-03. Review status: criteria provided, single submitter. Criteria: GeneDx Variant Classification Process June 2021. Collection method: clinical testing. Allele origin: germline. Affected: yes.

Laboratory for Molecular Medicine, Mass General Brigham Personalized Medicine
Classification: Likely benign. Last evaluated: 2013-09-19. Review status: criteria provided, single submitter. Criteria: LMM Criteria. Collection method: clinical testing. Allele origin: germline. Observed: 2 variant alleles.
Comment: Ser179Ser in exon 11 of TNNT2: This variant is not expected to have clinical sig nificance because it does not alter an amino acid residue and is not located wit hin the splice consensus sequence. Ser179Ser in exon 11 of TNNT2 (allele freque ncy = n/a)

Literature cited by the submitters: PubMed 11034944 (cited by Laboratory for Molecular Medicine, Mass General Brigham Personalized Medicine).